The following is an entry in ClinVar:

ClinVar aggregate classification (germline): Likely pathogenic (1 of 4 stars; one submission).

Submission:

GeneDx
Classification: Likely pathogenic. Last evaluated: 2023-01-31. Review status: criteria provided, single submitter. Criteria: GeneDx Variant Classification Process June 2021. Collection method: clinical testing. Allele origin: germline. Affected: yes.
Comment: Not observed at significant frequency in large population cohorts (gnomAD); In silico analysis supports that this missense variant has a deleterious effect on protein structure/function; Has not been previously published as pathogenic or benign to our knowledge; Also known as c.798T>C, c.703T>C, or p.C235R; This variant is associated with the following publications: (PMID: 21190975, 21454234, 12874027, 9989505)

NM_001370259.2(MEN1):c.688T>C (p.Cys230Arg)

Gene: MEN1 (menin 1; minus strand). Cytogenetic location: 11q13.1.
Variant type: single nucleotide variant.
Coding change: c.688T>C on transcript NM_001370259.2 (MANE Select); coding-DNA position 688, T replaced by C.
Protein change: p.Cys230Arg; replaces cysteine 230 with arginine.
Molecular consequence: missense variant.
Genome position (GRCh38, 1-based): chr11:64,807,647, A>G on the plus strand (T>C on the coding strand, the complement: MEN1 is on the minus strand). VCF-style: chr11-64807647-A-G. GRCh37 (hg19) VCF-style: chr11-64575119-A-G.
Other names: c.703T>C, p.Cys235Arg (NM_000244.4, NM_130800.3, NM_130801.3 and 3 more transcripts); c.688T>C, p.Cys230Arg (NM_001370251.2, NM_001370260.2, NM_001370261.2 and 1 more transcripts); c.583T>C, p.Cys195Arg (NM_001370262.2, NM_001370263.2); short protein forms C230R, C235R, C195R.
Identifiers: ClinVar variation 449057 (VCV000449057.8), dbSNP rs1555165570, ClinGen allele CA381184653.
Genomic context (GRCh38, chr11:64,807,647, plus strand): 5'-GCAGGTCAATGGAAGGGTTGATGGCACACACCATGAACGCCACCTCCATCTTGCGGTCAC[A>G]GCGCATGTATGATCCTTTCAGGTACAGCCAGCTCTTAGGGGGGGATGAGATCATTATGTC-3'
Protein context (NP_001357188.2, residues 220-240): WLYLKGSYMR[Cys230Arg]DRKMEVAFMV